The following is an entry in ClinVar:

NM_000426.4(LAMA2):c.5140T>C (p.Leu1714=)

Gene: LAMA2 (laminin subunit alpha 2; plus strand). Cytogenetic location: 6q22.33.
Variant type: single nucleotide variant.
Coding change: c.5140T>C on transcript NM_000426.4 (MANE Select); coding-DNA position 5140, T replaced by C.
Protein change: p.Leu1714=; no amino-acid change (leucine 1714 retained).
Molecular consequence: synonymous variant.
Genome position (GRCh38, 1-based): chr6:129,391,559, T>C. VCF-style: chr6-129391559-T-C. GRCh37 (hg19) VCF-style: chr6-129712704-T-C.
Other names: c.5140T>C, p.Leu1714= (NM_001079823.2).
Identifiers: ClinVar variation 772808 (VCV000772808.35), dbSNP rs572008421, ClinGen allele CA3993786.

ClinVar aggregate classification (germline): Benign/Likely benign. Review status: criteria provided, multiple submitters, no conflicts (2 of 4 stars). 4 submissions from 4 submitters: Benign (1); Likely benign (2). 1 of the submissions does not count toward it. Last evaluated 2025-11-08.

Conditions:
LAMA2-related muscular dystrophy (LAMA2-RD). Also called: Laminin alpha 2-related dystrophy. Identifiers: MedGen C5679788, MONDO:0100228.
LAMA2-related disorder. Also called: LAMA2-related disorders; LAMA2-related condition.

Allele frequency attached by ClinVar (database versions not stated): gnomAD exomes 0.00013 and 0.00024; 1000 Genomes Project 30x 0.00016; 1000 Genomes Project 0.00020; ExAC 0.00027; gnomAD below 0.00001 and 0.00007; TOPMed 0.00002.
gnomAD v4.1: 210 of 1,613,782 alleles (0.013%); highest among the groups gnomAD compares: South Asian, 0.22%; 1 homozygote.

Submissions (4):

Labcorp Genetics (formerly Invitae), Labcorp
Classification: Benign for LAMA2-related muscular dystrophy. Last evaluated: 2025-11-08. Review status: criteria provided, single submitter. Criteria: Invitae Variant Classification Sherloc (09022015). Collection method: clinical testing. Allele origin: germline.

Blueprint Genetics
Classification: Likely benign. Last evaluated: 2024-05-23. Review status: criteria provided, single submitter. Criteria: ACMG Guidelines, 2015. Collection method: clinical testing. Allele origin: germline.

CeGaT Center for Human Genetics Tuebingen
Classification: Likely benign. Last evaluated: 2024-01-01. Review status: criteria provided, single submitter. Criteria: CeGaT Center For Human Genetics Tuebingen Variant Classification Criteria Version 2. Collection method: clinical testing. Allele origin: germline. Affected: yes. Observed: 1 variant allele.
Comment: LAMA2: BP4, BP7

PreventionGenetics, part of Exact Sciences
Classification: Likely benign for LAMA2-related condition. Last evaluated: 2019-06-28. Review status: no assertion criteria provided. Collection method: clinical testing. Allele origin: germline. Not counted in ClinVar's aggregate classification.
Comment: This variant is classified as likely benign based on ACMG/AMP sequence variant interpretation guidelines (Richards et al. 2015 PMID: 25741868, with internal and published modifications).